The following is an entry in ClinVar:

ClinVar aggregate classification (germline): Uncertain significance (1 of 4 stars; one submission).

Allele frequency attached by ClinVar (database versions not stated): gnomAD exomes 0.00001.

Submission:

Labcorp Genetics (formerly Invitae), Labcorp
Classification: Uncertain significance. Last evaluated: 2021-07-10. Review status: criteria provided, single submitter. Criteria: Invitae Variant Classification Sherloc (09022015). Collection method: clinical testing. Allele origin: germline.
Comment: This sequence change replaces leucine with phenylalanine at codon 8 of the CPLANE1 protein (p.Leu8Phe). The leucine residue is weakly conserved and there is a small physicochemical difference between leucine and phenylalanine. This variant is not present in population databases (ExAC no frequency). This variant has not been reported in the literature in individuals affected with CPLANE1-related conditions. Advanced modeling of protein sequence and biophysical properties (such as structural, functional, and spatial information, amino acid conservation, physicochemical variation, residue mobility, and thermodynamic stability) performed at Invitae indicates that this missense variant is not expected to disrupt CPLANE1 protein function. In summary, the available evidence is currently insufficient to determine the role of this variant in disease. Therefore, it has been classified as a Variant of Uncertain Significance.

NM_001384732.1(CPLANE1):c.24G>C (p.Leu8Phe)

Gene: CPLANE1 (ciliogenesis and planar polarity effector complex subunit 1; minus strand). Cytogenetic location: 5p13.2.
Variant type: single nucleotide variant.
Coding change: c.24G>C on transcript NM_001384732.1 (MANE Select); coding-DNA position 24, G replaced by C.
Protein change: p.Leu8Phe; replaces leucine 8 with phenylalanine.
Molecular consequence: missense variant.
Genome position (GRCh38, 1-based): chr5:37,247,675, C>G on the plus strand (G>C on the coding strand, the complement: CPLANE1 is on the minus strand). VCF-style: chr5-37247675-C-G. GRCh37 (hg19) VCF-style: chr5-37247777-C-G.
Other names: c.24G>C, p.Leu8Phe (NM_023073.4); short protein forms L8F.
Identifiers: ClinVar variation 1465240 (VCV001465240.8), dbSNP rs1392344659, ClinGen allele CA359525272.